The following is an entry in ClinVar:

ClinVar aggregate classification (germline): Uncertain significance. Review status: criteria provided, multiple submitters, no conflicts (2 of 4 stars). 2 submissions from 2 submitters: Uncertain significance (2). Last evaluated 2026-02-02.

Conditions:
Multiple gastrointestinal atresias. Also called: Multiple intestinal atresia; FAMILIAL INTESTINAL POLYATRESIA SYNDROME. Identifiers: Orphanet 2300, MedGen C0220744, MONDO:0009465.
Inborn genetic diseases. Identifiers: MedGen C0950123, MeSH D030342.

Allele frequency attached by ClinVar (database versions not stated): TOPMed 0.00002; gnomAD 0.00003; gnomAD exomes 0.00003 and 0.00004; ExAC 0.00005.
gnomAD v4.1: 65 of 1,614,036 alleles (0.004%); highest among the groups gnomAD compares: Non-Finnish European, 0.0054%; no homozygotes.

Submissions (2):

Labcorp Genetics (formerly Invitae), Labcorp
Classification: Uncertain significance for Multiple gastrointestinal atresias. Last evaluated: 2026-02-02. Review status: criteria provided, single submitter. Criteria: Invitae Variant Classification Sherloc (09022015). Collection method: clinical testing. Allele origin: germline.
Comment: This sequence change replaces serine, which is neutral and polar, with proline, which is neutral and non-polar, at codon 88 of the TTC7A protein (p.Ser88Pro). This variant is present in population databases (rs749883233, gnomAD 0.006%). This variant has not been reported in the literature in individuals affected with TTC7A-related conditions. ClinVar contains an entry for this variant (Variation ID: 649734). Invitae Evidence Modeling of protein sequence and biophysical properties (such as structural, functional, and spatial information, amino acid conservation, physicochemical variation, residue mobility, and thermodynamic stability) indicates that this missense variant is expected to disrupt TTC7A protein function with a positive predictive value of 80%. In summary, the available evidence is currently insufficient to determine the role of this variant in disease. Therefore, it has been classified as a Variant of Uncertain Significance.

Ambry Genetics
Classification: Uncertain significance for Inborn genetic diseases. Last evaluated: 2024-08-20. Review status: criteria provided, single submitter. Criteria: Ambry Variant Classification Scheme 2023. Collection method: clinical testing. Allele origin: germline.

NM_020458.4(TTC7A):c.262T>C (p.Ser88Pro)

Gene: TTC7A (tetratricopeptide repeat domain 7A; plus strand). Cytogenetic location: 2p21.
Variant type: single nucleotide variant.
Coding change: c.262T>C on transcript NM_020458.4 (MANE Select); coding-DNA position 262, T replaced by C.
Protein change: p.Ser88Pro; replaces serine 88 with proline.
Molecular consequence: missense variant. On other transcripts: 5 prime UTR variant (1).
Genome position (GRCh38, 1-based): chr2:46,950,440, T>C. VCF-style: chr2-46950440-T-C. GRCh37 (hg19) VCF-style: chr2-47177579-T-C.
Other names: c.262T>C, p.Ser88Pro (LRG_1323t1, NM_001288951.2); c.160T>C, p.Ser54Pro (NM_001288953.2); c.-643T>C (NM_001288955.2); c.262T>C (NM_020458.2); short protein forms S54P, S88P.
Identifiers: ClinVar variation 649734 (VCV000649734.8), dbSNP rs749883233, ClinGen allele CA1647074.
Genomic context (GRCh38, chr2:46,950,440, plus strand): 5'-CTGCTGGCTGAGGCCCTCCTGGAGCAGTGTTTGAAGGAGAACCATGCCAAAATAAAAGAC[T>C]CCATGCCTTTGCTGGAGAAGAATGAGCCGAAGATGAGCGAAGCCAAAAATTATCTAAGCA-3'
Protein context (NP_065191.2, residues 78-98): LKENHAKIKD[Ser88Pro]MPLLEKNEPK